The following is an entry in ClinVar:

ClinVar aggregate classification (germline): Likely pathogenic (1 of 4 stars; one submission).

Submission:

GeneDx
Classification: Likely pathogenic. Last evaluated: 2016-01-20. Review status: criteria provided, single submitter. Criteria: GeneDx Variant Classification (06012015). Collection method: clinical testing. Allele origin: germline. Affected: yes.
Comment: The L83Q variant in the TBL1XR1 gene has not been reported previously as a pathogenic variant, nor as a benign variant, to our knowledge. The L83Q variant was not observed in approximately 6000 individuals of European and African American ancestry in the NHLBI Exome Sequencing Project, indicating it is not a common benign variant in these populations. The L83Q variant is a non-conservative amino acid substitution, which is likely to impact secondary protein structure as these residues differ in polarity, charge, size and/or other properties. This substitution occurs at a position that is conserved across species. In silico analysis is inconsistent in its predictions as to whether or not the variant is damaging to the protein structure/function. The L83Q variant is a strong candidate for a pathogenic variant, however the possibility it may be a rare benign variant cannot be excluded.

NM_024665.7(TBL1XR1):c.248T>A (p.Leu83Gln)

Gene: TBL1XR1 (TBL1X/Y related 1; minus strand). Cytogenetic location: 3q26.32.
Variant type: single nucleotide variant.
Coding change: c.248T>A on transcript NM_024665.7 (MANE Select); coding-DNA position 248, T replaced by A.
Protein change: p.Leu83Gln; replaces leucine 83 with glutamine.
Molecular consequence: missense variant. On other transcripts: 5 prime UTR variant (2).
Genome position (GRCh38, 1-based): chr3:177,051,683, A>T on the plus strand (T>A on the coding strand, the complement: TBL1XR1 is on the minus strand). VCF-style: chr3-177051683-A-T. GRCh37 (hg19) VCF-style: chr3-176769471-A-T.
Other names: c.248T>A, p.Leu83Gln (NM_001321193.3, NM_001321194.3, NM_001374327.1 and 2 more transcripts); c.-14T>A (NM_001321195.3, NM_001374330.1); short protein forms L83Q.
Identifiers: ClinVar variation 372904 (VCV000372904.1), dbSNP rs1057518063, ClinGen allele CA16042462.